The following is an entry in ClinVar:

NM_000431.4(MVK):c.71A>C (p.His24Pro)

Gene: MVK (mevalonate kinase; plus strand). Cytogenetic location: 12q24.11.
Variant type: single nucleotide variant.
Coding change: c.71A>C on transcript NM_000431.4 (MANE Select); coding-DNA position 71, A replaced by C.
Protein change: p.His24Pro; replaces histidine 24 with proline.
Molecular consequence: missense variant. On other transcripts: non-coding transcript variant (4), intron variant (1).
Genome position (GRCh38, 1-based): chr12:109,574,893, A>C. VCF-style: chr12-109574893-A-C. GRCh37 (hg19) VCF-style: chr12-110012698-A-C.
Other names: c.71A>C, p.His24Pro (NM_001114185.3, NM_001301182.2, NM_001414511.1 and 3 more transcripts); c.-505+1020A>C (NM_001414515.1); short protein forms H24P.
Identifiers: ClinVar variation 2929061 (VCV002929061.4), dbSNP rs144069312, ClinGen allele CA243452164.

ClinVar aggregate classification (germline): Uncertain significance. Review status: criteria provided, multiple submitters, no conflicts (2 of 4 stars). 2 submissions from 2 submitters: Uncertain significance (2). Last evaluated 2024-04-14.

Conditions:
Mevalonic aciduria (MEVA). Identifiers: Orphanet 29, MedGen C1959626, MONDO:0012481, OMIM 610377.
Porokeratosis 3, disseminated superficial actinic type (POROK3). Also called: POROKERATOSIS, DISSEMINATED SUPERFICIAL ACTINIC, 1; POROKERATOSIS 3, MULTIPLE TYPES; POROKERATOSIS 3, MIBELLI TYPE. Identifiers: MedGen C1867981, MONDO:0008293, OMIM 175900.
Hyperimmunoglobulin D with periodic fever (HIDS). Also called: Hyperimmunoglobulinemia D with periodic fever; HYPERIMMUNOGLOBULINEMIA D AND PERIODIC FEVER SYNDROME; Hyperimmunoglobulinemia D. Identifiers: Orphanet 343, MedGen C0398691, MONDO:0009849, OMIM 260920.

Allele frequency attached by ClinVar (database versions not stated): TOPMed 0.00001; ESP Exome Variant Server 0.00008.
gnomAD v4.1: 1 of 1,608,698 alleles (0.000062%); highest among the groups gnomAD compares: African/African-American, 0.0013%; no homozygotes.

Submissions (2):

Fulgent Genetics
Classification: Uncertain significance for Porokeratosis 3, disseminated superficial actinic type; Hyperimmunoglobulin D with periodic fever; Mevalonic aciduria. Last evaluated: 2024-04-14. Review status: criteria provided, single submitter. Criteria: ACMG Guidelines, 2015. Collection method: clinical testing. Allele origin: germline.

Labcorp Genetics (formerly Invitae), Labcorp
Classification: Uncertain significance for Mevalonic aciduria; Hyperimmunoglobulin D with periodic fever; Porokeratosis 3, disseminated superficial actinic type. Last evaluated: 2023-06-28. Review status: criteria provided, single submitter. Criteria: Invitae Variant Classification Sherloc (09022015). Collection method: clinical testing. Allele origin: germline.
Comment: In summary, the available evidence is currently insufficient to determine the role of this variant in disease. Therefore, it has been classified as a Variant of Uncertain Significance. Advanced modeling of protein sequence and biophysical properties (such as structural, functional, and spatial information, amino acid conservation, physicochemical variation, residue mobility, and thermodynamic stability) performed at Invitae indicates that this missense variant is expected to disrupt MVK protein function. This missense change has been observed in individual(s) with mevalonic aciduria (PMID: 26420133). This variant is not present in population databases (gnomAD no frequency). This sequence change replaces histidine, which is basic and polar, with proline, which is neutral and non-polar, at codon 24 of the MVK protein (p.His24Pro).

Literature cited by the submitters: PubMed 26420133 (cited by Labcorp Genetics (formerly Invitae), Labcorp).